The following is an entry in ClinVar:

ClinVar aggregate classification (germline): Pathogenic. Review status: criteria provided, multiple submitters, no conflicts (2 of 4 stars). 2 submissions from 2 submitters: Pathogenic (2). Last evaluated 2025-05-15.

Conditions:
Familial adenomatous polyposis 1 (FAP1). Also called: FAMILIAL ADENOMATOUS POLYPOSIS 1, ATTENUATED; POLYPOSIS, ADENOMATOUS INTESTINAL. Identifiers: MedGen C2713442, MONDO:0021056, OMIM 175100. Disease mechanism: loss of function.
Hereditary cancer-predisposing syndrome. Also called: Hereditary neoplastic syndrome; Tumor predisposition; Hereditary Cancer Syndrome; Neoplastic Syndromes, Hereditary. Identifiers: Orphanet 140162, MedGen C0027672, MeSH D009386, MONDO:0015356.

Submissions (2):

Ambry Genetics
Classification: Pathogenic for Hereditary cancer-predisposing syndrome. Last evaluated: 2025-05-15. Review status: criteria provided, single submitter. Criteria: Ambry Variant Classification Scheme 2023. Collection method: clinical testing. Allele origin: germline.
Comment: The c.3524delA pathogenic mutation, located in coding exon 15 of the APC gene, results from a deletion of one nucleotide at nucleotide position 3524, causing a translational frameshift with a predicted alternate stop codon (p.Q1175Rfs*7). This alteration occurs at the 3' terminus of theAPC gene, is not expected to trigger nonsense-mediated mRNA decay, and impacts the last 58.7% of the protein. However, premature stop codons are typically deleterious in nature and a significant portion of the protein is affected (Ambry internal data). This variant was reported in individual(s) with features consistent with APC-related familial adenomatous polyposis (Ambry internal data). This variant is considered to be rare based on population cohorts in the Genome Aggregation Database (gnomAD). Based on the supporting evidence, this variant is interpreted as a disease-causing mutation.

Myriad Genetics, Inc.
Classification: Pathogenic for Familial adenomatous polyposis 1. Last evaluated: 2023-05-09. Review status: criteria provided, single submitter. Criteria: Myriad Autosomal Dominant, Autosomal Recessive and X-Linked Classification Criteria (2023). Collection method: clinical testing. Allele origin: unknown.
Comment: This variant is considered pathogenic. This variant creates a frameshift predicted to result in premature protein truncation.

NM_000038.6(APC):c.3524del (p.Gln1175fs)

Gene: APC (APC regulator of Wnt signaling pathway; plus strand). Cytogenetic location: 5q22.2.
Variant type: Deletion.
Coding change: c.3524del on transcript NM_000038.6 (MANE Select); coding-DNA position 3524, one base deleted (A; older notation c.3524delA).
Protein change: p.Gln1175fs; shifts the reading frame from glutamine 1175.
Molecular consequence: frameshift variant. On other transcripts: non-coding transcript variant (2).
Genome position (GRCh38, 1-based): chr5:112,839,118, A deleted. VCF-style (leftmost placement, unchanged base first): chr5-112839117-CA-C. GRCh37 (hg19) VCF-style: chr5-112174814-CA-C.
Other names: c.3524delA (NM_000038.5); c.3524del, p.Gln1175fs (NM_001127510.3, NM_001354895.2, NM_001407450.1); c.3470del, p.Gln1157fs (NM_001127511.3); c.3578del, p.Gln1193fs (NM_001354896.2, NM_001407447.1, NM_001407448.1 and 1 more transcripts); c.3554del, p.Gln1185fs (NM_001354897.2); c.3449del, p.Gln1150fs (NM_001354898.2); c.3440del, p.Gln1147fs (NM_001354899.2); c.3401del, p.Gln1134fs (NM_001354900.2); and 12 more; short protein forms Q1015fs, Q1046fs, Q1049fs, Q1074fs, Q1084fs, Q1092fs, Q1116fs, Q1134fs.
Identifiers: ClinVar variation 2584161 (VCV002584161.2), dbSNP rs2533505244, ClinGen allele CA2582341518.